The following is an entry in ClinVar:

NM_015261.3(NCAPD3):c.2295T>C (p.Ile765=)

Gene: NCAPD3 (non-SMC condensin II complex subunit D3; minus strand). Cytogenetic location: 11q25.
Variant type: single nucleotide variant.
Coding change: c.2295T>C on transcript NM_015261.3 (MANE Select); coding-DNA position 2295, T replaced by C.
Protein change: p.Ile765=; no amino-acid change (isoleucine 765 retained).
Molecular consequence: synonymous variant.
Genome position (GRCh38, 1-based): chr11:134,184,943, A>G on the plus strand (T>C on the coding strand, the complement: NCAPD3 is on the minus strand). VCF-style: chr11-134184943-A-G. GRCh37 (hg19) VCF-style: chr11-134054838-A-G.
Other names: c.2295T>C, p.Ile765= (NM_001372065.1, NM_001372068.1); c.1881T>C, p.Ile627= (NM_001372069.1, NM_001372070.1).
Identifiers: ClinVar variation 3352293 (VCV003352293.2).

ClinVar aggregate classification (germline): Likely benign. Review status: criteria provided, single submitter (1 of 4 stars). 2 submissions from 2 submitters: Likely benign (1). 1 of the submissions does not count toward it. Last evaluated 2024-11-04.

Conditions:
NCAPD3-related disorder. Also called: NCAPD3-related condition.

gnomAD v4.1: 904 of 1,613,870 alleles (0.056%); highest among the groups gnomAD compares: Non-Finnish European, 0.072%; 1 homozygote.

Submissions (2):

Blueprint Genetics
Classification: Likely benign. Last evaluated: 2024-11-04. Review status: criteria provided, single submitter. Criteria: ACMG Guidelines, 2015. Collection method: clinical testing. Allele origin: germline.

PreventionGenetics, part of Exact Sciences
Classification: Likely benign for NCAPD3-related condition. Last evaluated: 2024-03-14. Review status: no assertion criteria provided. Collection method: clinical testing. Allele origin: germline. Not counted in ClinVar's aggregate classification.
Comment: This variant is classified as likely benign based on ACMG/AMP sequence variant interpretation guidelines (Richards et al. 2015 PMID: 25741868, with internal and published modifications).